The following is an entry in ClinVar:

ClinVar aggregate classification (germline): Uncertain significance (1 of 4 stars; one submission).

Conditions:
Congenital contractural arachnodactyly (CCA). Also called: Arthrogryposis, distal, type 9; BEALS SYNDROME; Beals-Hecht syndrome. Identifiers: Orphanet 115, MedGen C0220668, MONDO:0007363, OMIM 121050.

Submission:

Labcorp Genetics (formerly Invitae), Labcorp
Classification: Uncertain significance for Congenital contractural arachnodactyly. Last evaluated: 2024-10-07. Review status: criteria provided, single submitter. Criteria: Invitae Variant Classification Sherloc (09022015). Collection method: clinical testing. Allele origin: germline.
Comment: This variant results in the deletion of part of exon 20 (c.2555-788_2655delinsT) of the FBN2 gene. It is expected to disrupt RNA splicing. Variants that disrupt the donor or acceptor splice site typically lead to a loss of protein function (PMID: 16199547), however the current clinical and genetic evidence is not sufficient to establish whether loss-of-function variants in FBN2 cause disease. This variant is not present in population databases (gnomAD no frequency). This variant has not been reported in the literature in individuals affected with FBN2-related conditions. In summary, the available evidence is currently insufficient to determine the role of this variant in disease. Therefore, it has been classified as a Variant of Uncertain Significance.

Literature cited by the submitters: PubMed 16199547.

NM_001999.4(FBN2):c.2555-787_2655delinsT

Gene: FBN2 (fibrillin 2; minus strand). Cytogenetic location: 5q23.3.
Variant type: Indel.
Coding change: c.2555-787_2655delinsT on transcript NM_001999.4 (MANE Select); 787 bases into the intron before coding-DNA position 2555 through coding-DNA position 2655, the reference bases replaced by T.
Molecular consequence: splice acceptor variant.
Genome position (GRCh38, 1-based): chr5:128,357,295-128,358,182, 888 bases replaced.
Identifiers: ClinVar variation 3722397 (VCV003722397.2).